The following is an entry in ClinVar:

NM_000138.5(FBN1):c.434G>A (p.Cys145Tyr)

Gene: FBN1 (fibrillin 1; minus strand). Cytogenetic location: 15q21.1.
Variant type: single nucleotide variant.
Coding change: c.434G>A on transcript NM_000138.5 (MANE Select); coding-DNA position 434, G replaced by A.
Protein change: p.Cys145Tyr; replaces cysteine 145 with tyrosine.
Molecular consequence: missense variant.
Genome position (GRCh38, 1-based): chr15:48,600,147, C>T on the plus strand (G>A on the coding strand, the complement: FBN1 is on the minus strand). VCF-style: chr15-48600147-C-T. GRCh37 (hg19) VCF-style: chr15-48892344-C-T.
Other names: p.Cys145Tyr; short protein forms C145Y.
Identifiers: ClinVar variation 237091 (VCV000237091.17), dbSNP rs878853682, ClinGen allele CA10583255.

ClinVar aggregate classification (germline): Pathogenic/Likely pathogenic. Review status: criteria provided, multiple submitters, no conflicts (2 of 4 stars). 4 submissions from 4 submitters: Pathogenic (2); Likely pathogenic (2). Last evaluated 2025-08-07.

Conditions:
Marfan syndrome (MFS). Also called: MARFAN SYNDROME, TYPE I; FBN1-Related Marfan Syndrome; Marfan syndrome, classic; Marfan syndrome type 1; Marfan's syndrome. Identifiers: Orphanet 284963, Orphanet 558, MedGen C0024796, MONDO:0007947, OMIM 154700.
Familial thoracic aortic aneurysm and aortic dissection (TAAD). Also called: Thoracic aortic aneurysms and dissections. Identifiers: Orphanet 91387, MedGen C4707243, MONDO:0019625.

Allele frequency attached by ClinVar (database versions not stated): gnomAD exomes below 0.00001.
gnomAD v4.1: 1 of 1,610,854 alleles (0.000062%); highest among the groups gnomAD compares: Non-Finnish European, 0.000085%; no homozygotes.

Submissions (4):

Color Diagnostics, LLC DBA Color Health
Classification: Likely pathogenic for Familial thoracic aortic aneurysm and aortic dissection. Last evaluated: 2025-08-07. Review status: criteria provided, single submitter. Criteria: ACMG Guidelines, 2015. Collection method: clinical testing. Allele origin: germline.
Comment: This missense variant replaces cysteine with tyrosine at codon 145 of the FBN1 protein. This variant alters a conserved cysteine residue located in the calcium-binding EGF-like domain of the FBN1 protein. Cysteine residues in cbEGF-like domains are involved in the formation of disulfide bridges, which are critical for FBN1 protein structure and stability (PMID: 4750422, 16677079). Computational prediction suggests that this variant may have deleterious impact on protein structure and function. To our knowledge, functional studies have not been reported for this variant. This variant has been reported in 2 individuals affected with Marfan syndrome (PMID: 17627385, 12938084) and in an individual affected with congenital ectopia lentis (PMID: 34550612). This variant has not been identified in the general population by the Genome Aggregation Database (gnomAD). Based on the available evidence, this variant is classified as Likely Pathogenic.

Mayo Clinic Laboratories, Mayo Clinic
Classification: Pathogenic. Last evaluated: 2021-04-09. Review status: criteria provided, single submitter. Criteria: ACMG Guidelines, 2015. Collection method: clinical testing. Allele origin: germline.
Comment: PS4, PM1, PM2, PP2, PP3

Labcorp Genetics (formerly Invitae), Labcorp
Classification: Pathogenic for Marfan syndrome; Familial thoracic aortic aneurysm and aortic dissection. Last evaluated: 2019-10-03. Review status: criteria provided, single submitter. Criteria: Invitae Variant Classification Sherloc (09022015). Collection method: clinical testing. Allele origin: germline.
Comment: This variant affects a cysteine residue located within an epidermal-growth-factor (EGF)–like domain of the FBN1 protein. Cysteine residues in these domains have been shown to be involved in the formation of disulfide bridges, which are critical for FBN1 protein structure and stability (PMID: 3495735, 4750422, 16677079). In addition, missense substitutions within the FBN1 EGF-like domains affecting cysteine residues are significantly overrepresented among patients with Marfan syndrome (PMID: 16571647, 17701892). In summary, this variant is not present in population databases, has been reported in affected individuals, and affects a residue crucial for protein stability and function. As a result, this variant has been classified as Pathogenic. Algorithms developed to predict the effect of missense changes on protein structure and function (SIFT, PolyPhen-2, Align-GVGD) all suggest that this variant is likely to be disruptive, but these predictions have not been confirmed by published functional studies. This variant has been reported in several unrelated individuals affected with Marfan syndrome (PMID: 17627385, 12938084, Invitae). ClinVar contains an entry for this variant (Variation ID: 237091). This variant is not present in population databases (ExAC no frequency). This sequence change replaces cysteine with tyrosine at codon 145 of the FBN1 protein (p.Cys145Tyr). The cysteine residue is highly conserved and there is a large physicochemical difference between cysteine and tyrosine.

Ambry Genetics
Classification: Likely pathogenic for Familial thoracic aortic aneurysm and aortic dissection. Last evaluated: 2018-01-08. Review status: criteria provided, single submitter. Criteria: Ambry Variant Classification Scheme 2023. Collection method: clinical testing. Allele origin: germline.
Comment: The p.C145Y variant (also known as c.434G>A), located in coding exon 4 of the FBN1 gene, results from a G to A substitution at nucleotide position 434. The cysteine at codon 145 is replaced by tyrosine, an amino acid with highly dissimilar properties, and is located in the cbEGF-like #02 domain. This alteration has been detected in individuals with classical Marfan syndrome and/or Marfan-like features (Ware AL et al. Cardiovasc. Pathol. Jun;25:418-22; Howarth R et al. Genet. Test., 2007;11:146-52). This amino acid position is highly conserved in available vertebrate species. In addition, this alteration is predicted to be deleterious by in silico analysis. The majority of FBN1 mutations identified to date have involved the substitution or generation of cysteine residues within cbEGF domains (Vollbrandt T et al. J Biol Chem. 2004;279(31):32924-32931). Internal structural assessment indicates this alteration results in loss of a structural disulfide in EGF domain 2 (Yadin DA. Structure. 2013 Oct;21(10):1743-56). Based on the majority of available evidence to date, this variant is likely to be pathogenic.

Literature cited by the submitters: PubMed 4750422 (cited by Color Diagnostics, LLC DBA Color Health and Labcorp Genetics (formerly Invitae), Labcorp); PubMed 12938084 (cited by Color Diagnostics, LLC DBA Color Health and Labcorp Genetics (formerly Invitae), Labcorp); PubMed 16677079 (cited by Color Diagnostics, LLC DBA Color Health and Labcorp Genetics (formerly Invitae), Labcorp); PubMed 17627385 (cited by 4 submitters); PubMed 34550612 (cited by Color Diagnostics, LLC DBA Color Health); PubMed 25652356 (cited by Mayo Clinic Laboratories, Mayo Clinic); PubMed 27479044 (cited by Mayo Clinic Laboratories, Mayo Clinic and Ambry Genetics); PubMed 3495735 (cited by Labcorp Genetics (formerly Invitae), Labcorp); PubMed 16571647 (cited by Labcorp Genetics (formerly Invitae), Labcorp); PubMed 17701892 (cited by Labcorp Genetics (formerly Invitae), Labcorp); PubMed 24035709 (cited by Ambry Genetics).